The following is an entry in ClinVar:

NM_001127511.3(APC):c.25C>T (p.Pro9Ser)

Gene: APC (APC regulator of Wnt signaling pathway; plus strand). Cytogenetic location: 5q22.2.
Variant type: single nucleotide variant.
Coding change: c.25C>T on transcript NM_001127511.3; coding-DNA position 25, C replaced by T.
Protein change: p.Pro9Ser; replaces proline 9 with serine.
Molecular consequence: missense variant. On other transcripts: 5 prime UTR variant (8), non-coding transcript variant (1), intron variant (5).
Genome position (GRCh38, 1-based): chr5:112,707,742, C>T. VCF-style: chr5-112707742-C-T. GRCh37 (hg19) VCF-style: chr5-112043439-C-T.
Other names: c.-159C>T (NM_001354895.2, NM_001407447.1, NM_001407452.1 and 3 more transcripts); c.25C>T, p.Pro9Ser (NM_001354897.2, NM_001354902.2, NM_001407446.1); c.-1194C>T (NM_001407470.1, NM_001407472.1); c.-19+93C>T (NM_001407448.1, NM_001407450.1, NM_001407457.1 and 1 more transcripts); c.-43+93C>T (NM_001407453.1); short protein forms P9S.
Identifiers: ClinVar variation 1002451 (VCV001002451.7), dbSNP rs1291188034, ClinGen allele CA360611653.

ClinVar aggregate classification (germline): Uncertain significance (1 of 4 stars; one submission).

Conditions:
Familial adenomatous polyposis 1 (FAP1). Also called: FAMILIAL ADENOMATOUS POLYPOSIS 1, ATTENUATED; POLYPOSIS, ADENOMATOUS INTESTINAL. Identifiers: MedGen C2713442, MONDO:0021056, OMIM 175100. Disease mechanism: loss of function.

Submission:

Labcorp Genetics (formerly Invitae), Labcorp
Classification: Uncertain significance for Familial adenomatous polyposis 1. Last evaluated: 2022-01-28. Review status: criteria provided, single submitter. Criteria: Invitae Variant Classification Sherloc (09022015). Collection method: clinical testing. Allele origin: germline.
Comment: In summary, the available evidence is currently insufficient to determine the role of this variant in disease. Therefore, it has been classified as a Variant of Uncertain Significance. Experimental studies and prediction algorithms are not available or were not evaluated, and the functional significance of this variant is currently unknown. This variant has not been reported in the literature in individuals affected with APC-related conditions. This variant is not present in population databases (gnomAD no frequency). This variant occurs in a non-coding region of the APC gene. It does not change the encoded amino acid sequence of the APC protein.